The following is an entry in ClinVar:

ClinVar aggregate classification (germline): Uncertain significance (1 of 4 stars; one submission).

Conditions:
Methylmalonic aciduria, cblA type (MACA). Also called: Methylmalonic aciduria, vitamin B12-responsive; Methylmalonic aciduria, vitamin b12-responsive, due to defect in synthesis of adenosylcobalamin, cbla complementation type; MMA cbl A type; Methylmalonic acidemia cblA type; Vitamin B12-responsive methylmalonic acidemia type cblA. Identifiers: Orphanet 28, Orphanet 79310, MedGen C1855109, MONDO:0009613, OMIM 251100.

Submission:

Labcorp Genetics (formerly Invitae), Labcorp
Classification: Uncertain significance for Methylmalonic aciduria, cblA type. Last evaluated: 2020-03-01. Review status: criteria provided, single submitter. Criteria: Invitae Variant Classification Sherloc (09022015). Collection method: clinical testing. Allele origin: germline.
Comment: In summary, the available evidence is currently insufficient to determine the role of this variant in disease. Therefore, it has been classified as a Variant of Uncertain Significance. Algorithms developed to predict the effect of missense changes on protein structure and function are either unavailable or do not agree on the potential impact of this missense change (SIFT: "Deleterious"; PolyPhen-2: "Possibly Damaging"; Align-GVGD: "Class C15"). This variant has not been reported in the literature in individuals with MMAA-related conditions. This variant is not present in population databases (ExAC no frequency). This sequence change replaces phenylalanine with leucine at codon 379 of the MMAA protein (p.Phe379Leu). The phenylalanine residue is highly conserved and there is a small physicochemical difference between phenylalanine and leucine.

NM_172250.3(MMAA):c.1135T>C (p.Phe379Leu)

Gene: MMAA (metabolism of cobalamin associated A; plus strand). Cytogenetic location: 4q31.21.
Variant type: single nucleotide variant.
Coding change: c.1135T>C on transcript NM_172250.3 (MANE Select); coding-DNA position 1135, T replaced by C.
Protein change: p.Phe379Leu; replaces phenylalanine 379 with leucine.
Molecular consequence: missense variant.
Genome position (GRCh38, 1-based): chr4:145,655,312, T>C. VCF-style: chr4-145655312-T-C. GRCh37 (hg19) VCF-style: chr4-146576464-T-C.
Other names: c.1135T>C, p.Phe379Leu (NM_001375644.1); short protein forms F379L.
Identifiers: ClinVar variation 1017806 (VCV001017806.8), dbSNP rs1728200540, ClinGen allele CA358346383.